The following is an entry in ClinVar:

NM_004304.5(ALK):c.4472_4474delinsGGA (p.Lys1491_Val1492delinsArgIle)

Gene: ALK (ALK receptor tyrosine kinase; minus strand). Cytogenetic location: 2p23.2.
Variant type: Indel.
Coding change: c.4472_4474delinsGGA on transcript NM_004304.5 (MANE Select); coding-DNA positions 4472 to 4474, AGG replaced by GGA.
Protein change: p.Lys1491_Val1492delinsArgIle.
Molecular consequence: missense variant.
Genome position (GRCh38, 1-based): chr2:29,193,613-29,193,615, CCT replaced by TCC on the plus strand (AGG replaced by GGA on the coding strand, the reverse complement: ALK is on the minus strand). VCF-style: chr2-29193613-CCT-TCC. GRCh37 (hg19) VCF-style: chr2-29416479-CCT-TCC.
Other names: c.1268_1270delinsGGA, p.Lys423_Val424delinsArgIle (NM_001353765.2).
Identifiers: ClinVar variation 3854585 (VCV003854585.1).

ClinVar aggregate classification (germline): Uncertain significance (1 of 4 stars; one submission).

Conditions:
Hereditary cancer-predisposing syndrome. Also called: Hereditary neoplastic syndrome; Neoplastic Syndromes, Hereditary; Tumor predisposition; Hereditary Cancer Syndrome. Identifiers: Orphanet 140162, MedGen C0027672, MeSH D009386, MONDO:0015356.

Submission:

Ambry Genetics
Classification: Uncertain significance for Hereditary cancer-predisposing syndrome. Last evaluated: 2025-01-11. Review status: criteria provided, single submitter. Criteria: Ambry Variant Classification Scheme 2023. Collection method: clinical testing. Allele origin: germline.
Comment: The c.4472_4474delAGGinsGGA variant (also known as p.K1491_V1492delinsRI), located in coding exon 29 of the ALK gene, results from an in-frame deletion of AGG and insertion of GGA at nucleotide positions 4472 to 4474. This results in the in-frame deletion of 2 amino acids (KV) and the insertion of 2 new amino acids (RI) at codons 1491 and 1492. These amino acid positions are generally not well conserved in available vertebrate species. In addition, this alteration is predicted to be neutral by in silico analysis (Choi Y et al. PLoS ONE. 2012; 7(10):e46688). Based on the available evidence, the clinical significance of this variant remains unclear.